The following is an entry in ClinVar:

ClinVar aggregate classification (germline): Conflicting classifications of pathogenicity. Review status: criteria provided, conflicting classifications (1 of 4 stars). 9 submissions from 8 submitters: Pathogenic (7); Uncertain significance (1). 1 of the submissions does not count toward it. Last evaluated 2025-04-01.

Conditions:
Capillary malformation (CMC). Also called: Capillary malformations, congenital; CAPILLARY MALFORMATIONS. Identifiers: Orphanet 211247, MedGen C0340803, MONDO:0016231, HP:0025104.
Segmental undergrowth associated with capillary malformation.
Lobular capillary hemangiomas.
CLOVES syndrome. Also called: Congenital lipomatous overgrowth, vascular malformations, and epidermal nevi; CLOVE SYNDROME; CONGENITAL LIPOMATOUS OVERGROWTH, VASCULAR MALFORMATIONS, EPIDERMAL NEVI, AND SKELETAL/SPINAL ABNORMALITIES; CLOVES; Congenital Lipomatous Overgrowth, Vascular Malformations, Epidermal Nevi, Scoliosis/Skeletal and Spinal (CLOVES) Syndrome; CONGENITAL LIPOMATOUS OVERGROWTH, VASCULAR MALFORMATIONS, AND EPIDERMAL NEVI, SOMATIC. Identifiers: Orphanet 140944, MedGen C2752042, MONDO:0013038, OMIM 612918. Disease mechanism: gain of function.

Submissions (9):

CeGaT Center for Human Genetics Tuebingen
Classification: Pathogenic. Last evaluated: 2025-04-01. Review status: criteria provided, single submitter. Criteria: CeGaT Center For Human Genetics Tuebingen Variant Classification Criteria Version 2. Collection method: clinical testing. Allele origin: germline. Affected: yes. Observed: 1 variant allele.
Comment: GNA11: PM2, PM5, PS3:Moderate, PS4:Moderate, PP2, PP3

GeneDx
Classification: Pathogenic. Last evaluated: 2024-12-04. Review status: criteria provided, single submitter. Criteria: GeneDx Variant Classification Process June 2021. Collection method: clinical testing. Allele origin: germline. Affected: yes.
Comment: Has not been previously reported as a pathogenic or benign germline variant to our knowledge; However, it has been reported as a somatic variant in multiple individuals with uveal melanoma, lobular capillary hemangiomas, diffuse capillary malformations, phakomatosis pigmentovascularis with dermal melanocytosis, or Cutis marmorata telangiectatica congenita (PMID: 21083380, 27476652, 28120216, 26778290, 35351629); In silico analysis supports that this missense variant has a deleterious effect on protein structure/function; Published functional studies demonstrated increased phosphorylation resulting in activation of the p38 MAPK pathway (PMID: 26778290, 27476652); Not observed at significant frequency in large population cohorts (gnomAD); This variant is associated with the following publications: (PMID: 27476652, 28194446, 28120216, 21083380, 26778290, 35351629)

Labcorp Genetics (formerly Invitae), Labcorp
Classification: Uncertain significance. Last evaluated: 2024-09-24. Review status: criteria provided, single submitter. Criteria: Invitae Variant Classification Sherloc (09022015). Collection method: clinical testing. Allele origin: germline.
Comment: This sequence change replaces arginine, which is basic and polar, with cysteine, which is neutral and slightly polar, at codon 183 of the GNA11 protein (p.Arg183Cys). This variant is not present in population databases (gnomAD no frequency). This missense change has been observed in individual(s) with clinical features of GNA11-associated somatic overgrowth syndromes but it has not been associated with autosomal dominant hypocalcemia or hypercalcemia. (PMID: 31726051, 35351629, 35777808). ClinVar contains an entry for this variant (Variation ID: 548668). Invitae Evidence Modeling of protein sequence and biophysical properties (such as structural, functional, and spatial information, amino acid conservation, physicochemical variation, residue mobility, and thermodynamic stability) indicates that this missense variant is expected to disrupt GNA11 protein function with a positive predictive value of 80%. Experimental studies have shown that this missense change affects GNA11 function (PMID: 26778290, 35777808). In summary, the available evidence is currently insufficient to determine the role of this variant in disease. Therefore, it has been classified as a Variant of Uncertain Significance.

Clinical Genomics Laboratory, Washington University in St. Louis
Classification: Pathogenic for Capillary malformation. Last evaluated: 2023-10-31. Review status: criteria provided, single submitter. Criteria: ACMG Guidelines, 2015. Collection method: clinical testing. Allele origin: somatic. Affected: yes.
Comment: A GNA11 c.547C>T p.(Arg183Cys) variant was identified at an allelic fraction consistent with somatic origin. The variant has been reported in multiple individuals affected with capillary malformations (Thomas AC et al. PMID: 26778290; Siegel DH et al. PMID: 29174369; Polubothu S et al. PMID: 31838126). The GNA11 c.547C>T p.(Arg183Cys) variant has been reported in numerous cases in the cancer database COSMIC (COSMIC Genomic Mutation ID COSV50017316 ) and it has been reported in the ClinVar database as a pathogenic/likely pathogenic somatic variant by multiple submitters (ClinVar Variation ID:548668). The variant is absent from the general population (gnomAD v.3.1.2), indicating it is not a common variant. This variant resides within the GTP-binding site (amino acids Leu180‚ÄìArg183) of GNA11, which is critical for its function and constitutes a mutational hotspot (Conklin BR et al., PMID: 1309740; Van Raamsdonk CD et al., PMID: 21083380; O'Hayre M et al., PMID: 23640210). Computational predictors indicate that the variant is damaging, evidence that correlates with impact on GNA11 function. In support of this prediction, functional studies demonstrate that this variant leads to increased mitogen-activated protein kinase (MAPK) signaling and cellular proliferation in multiple cell lines (Thomas AC et al., PMID: 26778290; Ma J et al., PMID: 33262460). Based on an internally-developed protocol informed by the ACMG/AMP guidelines (Richards S et al., PMID: 25741868), the GNA11 c.547C>T p.(Arg183Cys) variant is classified as pathogenic.

Seattle Children's Hospital Molecular Genetics Laboratory, Seattle Children's Hospital
Classification: Pathogenic. Last evaluated: 2021-05-06. Review status: criteria provided, single submitter. Criteria: ACMG Guidelines, 2015. Collection method: clinical testing. Allele origin: somatic. Affected: yes. Observed: 3 variant alleles. Clinical features observed: Abnormal vascular morphology (HP:0025015), Capillary malformation (HP:0025104), Hemihypertrophy (HP:0001528), Autism (HP:0000717).
Comment: This same somatic GNA11 missense mutation has been reported in other affected individuals with capillary malformations causing overgrowth (PMID: 28120216), vascular tumors (PMID: 27476652) and phacomatosis pigmentovascularis (PMID: 31872050).

Institute of Medical and Molecular Genetics, Hospital Universitario La Paz
Classification: Pathogenic for Segmental undergrowth associated with capillary malformation. Last evaluated: 2021-04-06. Review status: criteria provided, single submitter. Criteria: ACMG Guidelines, 2015. Collection method: clinical testing. Allele origin: somatic. Affected: yes. Observed: 1 variant allele.

Equipe Genetique des Anomalies du Developpement, Université de Bourgogne
Classification: Pathogenic for Capillary malformation. Review status: criteria provided, single submitter. Criteria: ACMG Guidelines, 2015. Collection method: clinical testing. Allele origin: somatic. Affected: yes.

Equipe Genetique des Anomalies du Developpement, Université de Bourgogne
Classification: Pathogenic for CLOVES syndrome. Review status: criteria provided, single submitter. Criteria: ACMG Guidelines, 2015. Collection method: clinical testing. Allele origin: somatic. Affected: yes.

Yale Center for Mendelian Genomics, Yale University
Classification: Likely pathogenic for Lobular capillary hemangiomas. Last evaluated: 2016-07-28. Review status: no assertion criteria provided. Collection method: literature only. Allele origin: somatic. Affected: yes. Observed: 2 heterozygotes. Not counted in ClinVar's aggregate classification.

Literature cited by the submitters: PubMed 31726051 (cited by Labcorp Genetics (formerly Invitae), Labcorp); PubMed 35351629 (cited by Labcorp Genetics (formerly Invitae), Labcorp); PubMed 35777808 (cited by Labcorp Genetics (formerly Invitae), Labcorp); PubMed 26778290 (cited by Labcorp Genetics (formerly Invitae), Labcorp); PubMed 27476652 (cited by Yale Center for Mendelian Genomics, Yale University).

NM_002067.5(GNA11):c.547C>T (p.Arg183Cys)

Gene: GNA11 (G protein subunit alpha 11; plus strand). Cytogenetic location: 19p13.3.
Variant type: single nucleotide variant.
Coding change: c.547C>T on transcript NM_002067.5 (MANE Select); coding-DNA position 547, C replaced by T.
Protein change: p.Arg183Cys; replaces arginine 183 with cysteine.
Molecular consequence: missense variant.
Genome position (GRCh38, 1-based): chr19:3,115,014, C>T. VCF-style: chr19-3115014-C-T. GRCh37 (hg19) VCF-style: chr19-3115012-C-T.
Other names: short protein forms R183C.
Identifiers: ClinVar variation 548668 (VCV000548668.19), dbSNP rs1555702147, ClinGen allele CA403307977.